The following is an entry in ClinVar:

ClinVar aggregate classification (germline): Uncertain significance (1 of 4 stars; one submission).

Conditions:
Neuronal ceroid lipofuscinosis. Also called: Neuronal Ceroid Lipofuscinoses. Identifiers: Orphanet 216, Orphanet 79263, MedGen C0027877, MONDO:0016295. Disease mechanism: loss of function.

Submission:

Labcorp Genetics (formerly Invitae), Labcorp
Classification: Uncertain significance for Neuronal ceroid lipofuscinosis. Last evaluated: 2024-10-28. Review status: criteria provided, single submitter. Criteria: Invitae Variant Classification Sherloc (09022015). Collection method: clinical testing. Allele origin: germline.
Comment: This sequence change replaces glycine, which is neutral and non-polar, with serine, which is neutral and polar, at codon 405 of the CTSD protein (p.Gly405Ser). This variant is not present in population databases (gnomAD no frequency). This variant has not been reported in the literature in individuals affected with CTSD-related conditions. ClinVar contains an entry for this variant (Variation ID: 1962611). Invitae Evidence Modeling of protein sequence and biophysical properties (such as structural, functional, and spatial information, amino acid conservation, physicochemical variation, residue mobility, and thermodynamic stability) indicates that this missense variant is not expected to disrupt CTSD protein function with a negative predictive value of 80%. Algorithms developed to predict the effect of sequence changes on RNA splicing suggest that this variant may create or strengthen a splice site. In summary, the available evidence is currently insufficient to determine the role of this variant in disease. Therefore, it has been classified as a Variant of Uncertain Significance.

NM_001909.5(CTSD):c.1213G>A (p.Gly405Ser)

Gene: CTSD (cathepsin D; minus strand). Cytogenetic location: 11p15.5.
Variant type: single nucleotide variant.
Coding change: c.1213G>A on transcript NM_001909.5 (MANE Select); coding-DNA position 1213, G replaced by A.
Protein change: p.Gly405Ser; replaces glycine 405 with serine.
Molecular consequence: missense variant.
Genome position (GRCh38, 1-based): chr11:1,753,529, C>T on the plus strand (G>A on the coding strand, the complement: CTSD is on the minus strand). VCF-style: chr11-1753529-C-T. GRCh37 (hg19) VCF-style: chr11-1774759-C-T.
Other names: short protein forms G405S.
Identifiers: ClinVar variation 1962611 (VCV001962611.5), dbSNP rs2493815890, ClinGen allele CA379092351.